The following is an entry in ClinVar:

NM_001244926.2(PRPF4):c.965C>T (p.Thr322Ile)

Gene: PRPF4 (pre-mRNA splicing tri-snRNP complex factor PRPF4; plus strand). Cytogenetic location: 9q32.
Variant type: single nucleotide variant.
Coding change: c.965C>T on transcript NM_001244926.2 (MANE Select); coding-DNA position 965, C replaced by T.
Protein change: p.Thr322Ile; replaces threonine 322 with isoleucine.
Molecular consequence: missense variant. On other transcripts: non-coding transcript variant (2).
Genome position (GRCh38, 1-based): chr9:113,288,207, C>T. VCF-style: chr9-113288207-C-T. GRCh37 (hg19) VCF-style: chr9-116050487-C-T.
Other names: c.239C>T, p.Thr80Ile (NM_001322266.2, NM_001322267.2); c.968C>T, p.Thr323Ile (NM_004697.5); short protein forms T323I, T80I, T322I.
Identifiers: ClinVar variation 843876 (VCV000843876.12), dbSNP rs764441780, ClinGen allele CA374554773.

ClinVar aggregate classification (germline): Uncertain significance. Review status: criteria provided, multiple submitters, no conflicts (2 of 4 stars). 2 submissions from 2 submitters: Uncertain significance (2). Last evaluated 2025-01-07.

Allele frequency attached by ClinVar (database versions not stated): gnomAD 0.00002; TOPMed 0.00002.
gnomAD v4.1: 26 of 1,614,114 alleles (0.0016%); highest among the groups gnomAD compares: Non-Finnish European, 0.0021%; no homozygotes.

Submissions (2):

Labcorp Genetics (formerly Invitae), Labcorp
Classification: Uncertain significance. Last evaluated: 2025-01-07. Review status: criteria provided, single submitter. Criteria: Invitae Variant Classification Sherloc (09022015). Collection method: clinical testing. Allele origin: germline.
Comment: This sequence change replaces threonine, which is neutral and polar, with isoleucine, which is neutral and non-polar, at codon 323 of the PRPF4 protein (p.Thr323Ile). This variant is present in population databases (no rsID available, gnomAD 0.002%). This variant has not been reported in the literature in individuals affected with PRPF4-related conditions. ClinVar contains an entry for this variant (Variation ID: 843876). An algorithm developed to predict the effect of missense changes on protein structure and function (PolyPhen-2) suggests that this variant is likely to be tolerated. In summary, the available evidence is currently insufficient to determine the role of this variant in disease. Therefore, it has been classified as a Variant of Uncertain Significance.

Blueprint Genetics
Classification: Uncertain significance. Last evaluated: 2020-02-18. Review status: criteria provided, single submitter. Criteria: ACMG Guidelines, 2015. Collection method: clinical testing. Allele origin: germline.